The following is an entry in ClinVar:

NM_001205293.3(CACNA1E):c.5274dup (p.Ile1759fs)

Gene: CACNA1E (calcium voltage-gated channel subunit alpha1 E; plus strand). Cytogenetic location: 1q25.3.
Variant type: Duplication.
Coding change: c.5274dup on transcript NM_001205293.3 (MANE Select); coding-DNA position 5274, one base duplicated (C; older notation c.5274dupC).
Protein change: p.Ile1759fs; shifts the reading frame from isoleucine 1759.
Molecular consequence: frameshift variant.
Genome position (GRCh38, 1-based): chr1:181,781,433, C duplicated. VCF-style (leftmost placement, unchanged base first): chr1-181781432-G-GC. GRCh37 (hg19) VCF-style: chr1-181750568-G-GC.
Other names: c.5274dup, p.Ile1759fs (NM_000721.4); c.5217dup, p.Ile1740fs (NM_001205294.2); short protein forms I1740fs, I1759fs.
Identifiers: ClinVar variation 2245900 (VCV002245900.2), dbSNP rs2529214039, ClinGen allele CA2580061560.

ClinVar aggregate classification (germline): Uncertain significance (1 of 4 stars; one submission).

Conditions:
Inborn genetic diseases. Identifiers: MedGen C0950123, MeSH D030342.

Submission:

Ambry Genetics
Classification: Uncertain significance for Inborn genetic diseases. Last evaluated: 2021-10-02. Review status: criteria provided, single submitter. Criteria: Ambry Variant Classification Scheme 2023. Collection method: clinical testing. Allele origin: germline.
Comment: Loss of function has not been clearly established as a mechanism of disease Based on insufficient or conflicting evidence, the clinical significance of this alteration remains unclear.